The following is an entry in ClinVar:

ClinVar aggregate classification (germline): Likely pathogenic. Review status: criteria provided, multiple submitters, no conflicts (2 of 4 stars). 2 submissions from 2 submitters: Likely pathogenic (2). Last evaluated 2024-09-25.

Conditions:
Familial cancer of breast. Also called: BREAST CANCER, FAMILIAL; hereditary breast carcinoma; Hereditary breast cancer. Identifiers: Orphanet 227535, MedGen C0346153, MONDO:0016419, OMIM 114480. Disease mechanism: loss of function.
Hereditary cancer-predisposing syndrome. Also called: Neoplastic Syndromes, Hereditary; Tumor predisposition; Hereditary Cancer Syndrome; Hereditary neoplastic syndrome. Identifiers: Orphanet 140162, MedGen C0027672, MeSH D009386, MONDO:0015356.

Submissions (2):

Myriad Genetics, Inc.
Classification: Likely pathogenic for Familial cancer of breast. Last evaluated: 2024-09-25. Review status: criteria provided, single submitter. Criteria: Myriad Autosomal Dominant, Autosomal Recessive and X-Linked Classification Criteria (2023). Collection method: clinical testing. Allele origin: unknown.
Comment: This variant is considered likely pathogenic. This variant occurs within a consensus splice junction and is predicted to result in abnormal mRNA splicing of either an out-of-frame exon or an in-frame exon necessary for protein stability and/or normal function.

Ambry Genetics
Classification: Likely pathogenic for Hereditary cancer-predisposing syndrome. Last evaluated: 2015-06-26. Review status: criteria provided, single submitter. Criteria: Ambry Variant Classification Scheme 2023. Collection method: clinical testing. Allele origin: germline.
Comment: The c.1096-3_1098delTAGATT intronic variant is, located in the CHEK2 gene, results from a deletion of 6 nucleotides at positions c.1096-3 to c.1098. This variant was not reported in population-based cohorts in the following databases: Database of Single Nucleotide Polymorphisms (dbSNP), NHLBI Exome Sequencing Project (ESP) and 1000 Genomes Project. To date, this alteration has been detected with an allele frequency of approximately 0.001% (>72000 alleles tested) in our clinical cohort. The deleted region is well conserved in available vertebrate species. In addition, the BDGP and ESEfinder in silico splicing models predict that this alteration will abolish the native splice acceptor site; however, direct evidence is unavailable. Alterations that disrupt the canonical splice acceptor site are typically deleterious in nature (ACMG Recommendations for Standards for Interpretation and Reporting of Sequence Variations. Revision 2007. Genet Med. 2008;10:294). As such, the c.1096-3_1098delTAGATT variant is classified as likely pathogenic.

NM_007194.4(CHEK2):c.1096-3_1098del

Gene: CHEK2 (checkpoint kinase 2; minus strand). Cytogenetic location: 22q12.1.
Variant type: Deletion.
Coding change: c.1096-3_1098del on transcript NM_007194.4 (MANE Select); 3 bases into the intron before coding-DNA position 1096 through coding-DNA position 1098, 6 bases deleted (TAGATT; older notation c.1096-3_1098delTAGATT).
Molecular consequence: splice acceptor variant.
Genome position (GRCh38, 1-based): chr22:28,695,871-28,695,876, AATCTA deleted on the plus strand (TAGATT on the coding strand, the reverse complement: CHEK2 is on the minus strand); deleting any 6 consecutive bases within chr22:28,695,871-28,695,878 gives the same sequence; the c. name uses the placement nearest the transcript's 3' end. VCF-style (leftmost placement, unchanged base first): chr22-28695870-TAATCTA-T. GRCh37 (hg19) VCF-style: chr22-29091858-TAATCTA-T.
Other names: c.433-3_435del (NM_001437942.1, NM_001257387.3); c.895-3_897del (NM_001349956.3); c.1009-3_1011del (NM_145862.3); c.1102-3_1104del (NM_001438295.1); c.1189-3_1191del (NM_001438293.1); c.1138-3_1140del (NM_001438294.1); c.1225-3_1227del (NM_001005735.3).
Identifiers: ClinVar variation 232556 (VCV000232556.6), dbSNP rs876659838, ClinGen allele CA10581054.